The following is an entry in ClinVar:

NM_000179.3(MSH6):c.3757G>T (p.Val1253Leu)

Gene: MSH6 (mutS homolog 6; plus strand). Cytogenetic location: 2p16.3.
Variant type: single nucleotide variant.
Coding change: c.3757G>T on transcript NM_000179.3 (MANE Select); coding-DNA position 3757, G replaced by T.
Protein change: p.Val1253Leu; replaces valine 1253 with leucine.
Molecular consequence: missense variant.
Genome position (GRCh38, 1-based): chr2:47,806,314, G>T. VCF-style: chr2-47806314-G-T. GRCh37 (hg19) VCF-style: chr2-48033453-G-T.
Other names: c.3367G>T, p.Val1123Leu (NM_001281492.2); c.2851G>T, p.Val951Leu (NM_001281493.2, NM_001281494.2); short protein forms V1123L, V1253L, V951L.
Identifiers: ClinVar variation 1474184 (VCV001474184.6), dbSNP rs187491488, ClinGen allele CA346761095.

ClinVar aggregate classification (germline): Uncertain significance (1 of 4 stars; one submission).

Conditions:
Hereditary nonpolyposis colorectal neoplasms. Identifiers: MedGen C0009405, MeSH D003123.

Submission:

Labcorp Genetics (formerly Invitae), Labcorp
Classification: Uncertain significance for Hereditary nonpolyposis colorectal neoplasms. Last evaluated: 2021-10-05. Review status: criteria provided, single submitter. Criteria: Invitae Variant Classification Sherloc (09022015). Collection method: clinical testing. Allele origin: germline.
Comment: In summary, the available evidence is currently insufficient to determine the role of this variant in disease. Therefore, it has been classified as a Variant of Uncertain Significance. An algorithm developed specifically for the MSH6 gene suggests that this missense change is likely to be tolerated (PMID: 23621914). This variant has not been reported in the literature in individuals affected with MSH6-related conditions. This variant is not present in population databases (ExAC no frequency). This sequence change replaces valine with leucine at codon 1253 of the MSH6 protein (p.Val1253Leu). The valine residue is highly conserved and there is a small physicochemical difference between valine and leucine.

Literature cited by the submitters: PubMed 23621914.